The following is an entry in ClinVar:

NM_004360.5(CDH1):c.758C>T (p.Thr253Ile)

Gene: CDH1 (cadherin 1; plus strand). Cytogenetic location: 16q22.1.
Variant type: single nucleotide variant.
Coding change: c.758C>T on transcript NM_004360.5 (MANE Select); coding-DNA position 758, C replaced by T.
Protein change: p.Thr253Ile; replaces threonine 253 with isoleucine.
Molecular consequence: missense variant. On other transcripts: 5 prime UTR variant (2).
Genome position (GRCh38, 1-based): chr16:68,810,267, C>T. VCF-style: chr16-68810267-C-T. GRCh37 (hg19) VCF-style: chr16-68844170-C-T.
Other names: c.758C>T (LRG_301t1, NM_004360.4); c.758C>T, p.Thr253Ile (NM_001317184.2); c.-858C>T (NM_001317185.2); c.-1062C>T (NM_001317186.2); short protein forms T253I.
Identifiers: ClinVar variation 481055 (VCV000481055.13), dbSNP rs776503962, ClinGen allele CA8129929.

ClinVar aggregate classification (germline): Uncertain significance. Review status: criteria provided, multiple submitters, no conflicts (2 of 4 stars). 3 submissions from 3 submitters: Uncertain significance (3). Last evaluated 2024-11-25.

Conditions:
Hereditary cancer-predisposing syndrome. Also called: Hereditary neoplastic syndrome; Neoplastic Syndromes, Hereditary; Tumor predisposition; Hereditary Cancer Syndrome. Identifiers: Orphanet 140162, MedGen C0027672, MeSH D009386, MONDO:0015356.
Hereditary diffuse gastric adenocarcinoma (HDGC). Also called: DIFFUSE GASTRIC AND LOBULAR BREAST CANCER SYNDROME. Identifiers: Orphanet 26106, MedGen C1708349, MONDO:0007648, OMIM 137215.

Allele frequency attached by ClinVar (database versions not stated): gnomAD exomes 0.00001; ExAC 0.00002.
gnomAD v4.1: 3 of 1,613,838 alleles (0.00019%); highest among the groups gnomAD compares: Admixed American, 0.005%; no homozygotes.

Submissions (3):

Quest Diagnostics Nichols Institute San Juan Capistrano
Classification: Uncertain significance. Last evaluated: 2024-11-25. Review status: criteria provided, single submitter. Criteria: Quest Diagnostics criteria. Collection method: clinical testing. Allele origin: unknown.
Comment: The CDH1 c.758C>T (p.Thr253Ile) variant has not been reported in individuals with CDH1-related conditions in the published literature. The frequency of this variant in the general population, 0.000087 (3/34592 chromosomes in Admixed American subpopulation (Genome Aggregation Database)), is higher than would generally be expected for pathogenic variants in this gene. Analysis of this variant using bioinformatics tools for the prediction of the effect of amino acid changes on protein structure and function yielded predictions that this variant is benign. Based on the available information, we are unable to determine the clinical significance of this variant.

Labcorp Genetics (formerly Invitae), Labcorp
Classification: Uncertain significance for Hereditary diffuse gastric adenocarcinoma. Last evaluated: 2024-07-10. Review status: criteria provided, single submitter. Criteria: Invitae Variant Classification Sherloc (09022015). Collection method: clinical testing. Allele origin: germline.
Comment: This sequence change replaces threonine, which is neutral and polar, with isoleucine, which is neutral and non-polar, at codon 253 of the CDH1 protein (p.Thr253Ile). This variant is present in population databases (rs776503962, gnomAD 0.009%). This variant has not been reported in the literature in individuals affected with CDH1-related conditions. ClinVar contains an entry for this variant (Variation ID: 481055). An algorithm developed to predict the effect of missense changes on protein structure and function (PolyPhen-2) suggests that this variant is likely to be tolerated. In summary, the available evidence is currently insufficient to determine the role of this variant in disease. Therefore, it has been classified as a Variant of Uncertain Significance.

Ambry Genetics
Classification: Uncertain significance for Hereditary cancer-predisposing syndrome. Last evaluated: 2024-04-11. Review status: criteria provided, single submitter. Criteria: Ambry Variant Classification Scheme 2023. Collection method: clinical testing. Allele origin: germline.
Comment: The p.T253I variant (also known as c.758C>T), located in coding exon 6 of the CDH1 gene, results from a C to T substitution at nucleotide position 758. The threonine at codon 253 is replaced by isoleucine, an amino acid with similar properties. This amino acid position is not well conserved in available vertebrate species. In addition, this alteration is predicted to be tolerated by in silico analysis. Since supporting evidence is limited at this time, the clinical significance of this alteration remains unclear.